The following is an entry in ClinVar:

NM_001374353.1(GLI2):c.1166C>A (p.Pro389His)

Gene: GLI2 (GLI family zinc finger 2; plus strand). Cytogenetic location: 2q14.2.
Variant type: single nucleotide variant.
Coding change: c.1166C>A on transcript NM_001374353.1 (MANE Select); coding-DNA position 1166, C replaced by A.
Protein change: p.Pro389His; replaces proline 389 with histidine.
Molecular consequence: missense variant.
Genome position (GRCh38, 1-based): chr2:120,972,047, C>A. VCF-style: chr2-120972047-C-A. GRCh37 (hg19) VCF-style: chr2-121729623-C-A.
Other names: c.1166C>A, p.Pro389His (NM_001371271.1, NM_005270.5); c.791C>A, p.Pro264His (NM_001374354.1); short protein forms P264H, P389H.
Identifiers: ClinVar variation 2580576 (VCV002580576.1), dbSNP rs1682207025, ClinGen allele CA348170611.

ClinVar aggregate classification (germline): Uncertain significance (1 of 4 stars; one submission).

gnomAD v4.1: 2 of 1,613,320 alleles (0.00012%); highest among the groups gnomAD compares: Non-Finnish European, 0.00017%; no homozygotes.

Submission:

GeneDx
Classification: Uncertain significance. Last evaluated: 2023-03-20. Review status: criteria provided, single submitter. Criteria: GeneDx Variant Classification Process June 2021. Collection method: clinical testing. Allele origin: germline. Affected: yes.
Comment: Not observed at significant frequency in large population cohorts (gnomAD); In silico analysis supports that this missense variant has a deleterious effect on protein structure/function; Has not been previously published as pathogenic or benign to our knowledge